The following is an entry in ClinVar:

NM_001205293.3(CACNA1E):c.3773G>A (p.Arg1258Gln)

Gene: CACNA1E (calcium voltage-gated channel subunit alpha1 E; plus strand). Cytogenetic location: 1q25.3.
Variant type: single nucleotide variant.
Coding change: c.3773G>A on transcript NM_001205293.3 (MANE Select); coding-DNA position 3773, G replaced by A.
Protein change: p.Arg1258Gln; replaces arginine 1258 with glutamine.
Molecular consequence: missense variant.
Genome position (GRCh38, 1-based): chr1:181,752,184, G>A. VCF-style: chr1-181752184-G-A. GRCh37 (hg19) VCF-style: chr1-181721320-G-A.
Other names: c.3773G>A, p.Arg1258Gln (NM_000721.4); c.3716G>A, p.Arg1239Gln (NM_001205294.2); short protein forms R1239Q, R1258Q.
Identifiers: ClinVar variation 3630189 (VCV003630189.2).

ClinVar aggregate classification (germline): Uncertain significance (1 of 4 stars; one submission).

gnomAD v4.1: 1 of 1,613,892 alleles (0.000062%); highest among the groups gnomAD compares: Non-Finnish European, 0.000085%; no homozygotes.

Submission:

Labcorp Genetics (formerly Invitae), Labcorp
Classification: Uncertain significance. Last evaluated: 2025-10-03. Review status: criteria provided, single submitter. Criteria: Invitae Variant Classification Sherloc (09022015). Collection method: clinical testing. Allele origin: germline.
Comment: This sequence change replaces arginine, which is basic and polar, with glutamine, which is neutral and polar, at codon 1258 of the CACNA1E protein (p.Arg1258Gln). This variant is not present in population databases (gnomAD no frequency). This variant has not been reported in the literature in individuals affected with CACNA1E-related conditions. ClinVar contains an entry for this variant (Variation ID: 3630189). Invitae Evidence Modeling of protein sequence and biophysical properties (such as structural, functional, and spatial information, amino acid conservation, physicochemical variation, residue mobility, and thermodynamic stability) has been performed for this missense variant. However, the output from this modeling did not meet the statistical confidence thresholds required to predict the impact of this variant on CACNA1E protein function. In summary, the available evidence is currently insufficient to determine the role of this variant in disease. Therefore, it has been classified as a Variant of Uncertain Significance.